The following is an entry in ClinVar:

ClinVar aggregate classification (germline): Likely benign (0 of 4 stars; one submission).

Conditions:
LAMA5-related disorder. Also called: LAMA5-Related Disorders; LAMA5-related condition.

Allele frequency attached by ClinVar (database versions not stated): gnomAD 0.00002.
gnomAD v4.1: 6 of 1,612,078 alleles (0.00037%); highest among the groups gnomAD compares: Admixed American, 0.005%; no homozygotes.

Submission:

PreventionGenetics, part of Exact Sciences
Classification: Likely benign for LAMA5-related condition. Last evaluated: 2019-05-09. Review status: no assertion criteria provided. Collection method: clinical testing. Allele origin: germline.
Comment: This variant is classified as likely benign based on ACMG/AMP sequence variant interpretation guidelines (Richards et al. 2015 PMID: 25741868, with internal and published modifications).

NM_005560.6(LAMA5):c.5172T>C (p.Asp1724=)

Gene: LAMA5 (laminin subunit alpha 5; minus strand). Cytogenetic location: 20q13.33.
Variant type: single nucleotide variant.
Coding change: c.5172T>C on transcript NM_005560.6 (MANE Select); coding-DNA position 5172, T replaced by C.
Protein change: p.Asp1724=; no amino-acid change (aspartic acid 1724 retained).
Molecular consequence: synonymous variant.
Genome position (GRCh38, 1-based): chr20:62,326,907, A>G on the plus strand (T>C on the coding strand, the complement: LAMA5 is on the minus strand). VCF-style: chr20-62326907-A-G. GRCh37 (hg19) VCF-style: chr20-60901963-A-G.
Identifiers: ClinVar variation 3042120 (VCV003042120.2), dbSNP rs1448866468, ClinGen allele CA511124588.
Genomic context (GRCh38, chr20:62,326,907, plus strand): 5'-TCATCTCAGCTCCCTCACCTGCAGCACCACATCCGGCCTGCTCTCCATGGGGACAAAGAC[A>G]TCTCCCCGCTGGGTCTCTGAGTGCAGTTCATAACGGAGGGTCCCACCGTAGGATGACACC-3'
Protein context (NP_005551.3, residues 1714-1734): YELHSETQRG[Asp1724=]VFVPMESRPD